The following is an entry in ClinVar:

ClinVar aggregate classification (germline): Uncertain significance. Review status: criteria provided, multiple submitters, no conflicts (2 of 4 stars). 5 submissions from 5 submitters: Uncertain significance (5). Last evaluated 2024-11-28.

Conditions:
Osteogenesis imperfecta (OI). Identifiers: Orphanet 666, MedGen C0029434, MeSH D010013, MONDO:0019019.
Osteogenesis imperfecta type 8 (OI8). Identifiers: MedGen C1970458, MONDO:0012581, OMIM 610915.
Inborn genetic diseases. Identifiers: MedGen C0950123, MeSH D030342.

Allele frequency attached by ClinVar (database versions not stated): gnomAD exomes 0.00006 and 0.00008; ExAC 0.00014; TOPMed 0.00018; 1000 Genomes Project 0.00020; gnomAD 0.00020 and 0.00022; ESP Exome Variant Server 0.00022; 1000 Genomes Project 30x 0.00031.
gnomAD v4.1: 136 of 1,553,798 alleles (0.0088%); highest among the groups gnomAD compares: African/African-American, 0.055%; no homozygotes.

Submissions (5):

Ambry Genetics
Classification: Uncertain significance for Inborn genetic diseases. Last evaluated: 2024-11-28. Review status: criteria provided, single submitter. Criteria: Ambry Variant Classification Scheme 2023. Collection method: clinical testing. Allele origin: germline.

Genome-Nilou Lab
Classification: Uncertain significance for Osteogenesis imperfecta type 8. Last evaluated: 2023-04-11. Review status: criteria provided, single submitter. Criteria: ACMG Guidelines, 2015. Collection method: clinical testing. Allele origin: germline. Affected: no.

Blueprint Genetics
Classification: Uncertain significance. Last evaluated: 2021-12-23. Review status: criteria provided, single submitter. Criteria: ACMG Guidelines, 2015. Collection method: clinical testing. Allele origin: germline.

Labcorp Genetics (formerly Invitae), Labcorp
Classification: Uncertain significance for Osteogenesis imperfecta type 8. Last evaluated: 2021-08-26. Review status: criteria provided, single submitter. Criteria: Invitae Variant Classification Sherloc (09022015). Collection method: clinical testing. Allele origin: germline.
Comment: This sequence change replaces glutamic acid with lysine at codon 719 of the P3H1 protein (p.Glu719Lys). The glutamic acid residue is weakly conserved and there is a small physicochemical difference between glutamic acid and lysine. This variant is present in population databases (rs372407655, ExAC 0.09%). This variant has not been reported in the literature in individuals affected with P3H1-related conditions. ClinVar contains an entry for this variant (Variation ID: 536810). Algorithms developed to predict the effect of missense changes on protein structure and function output the following: SIFT: "Tolerated"; PolyPhen-2: "Benign"; Align-GVGD: "Class C0". The lysine amino acid residue is found in multiple mammalian species, which suggests that this missense change does not adversely affect protein function. In summary, the available evidence is currently insufficient to determine the role of this variant in disease. Therefore, it has been classified as a Variant of Uncertain Significance.

Genome Diagnostics Laboratory, The Hospital for Sick Children
Classification: Uncertain significance for Osteogenesis imperfecta. Last evaluated: 2020-04-01. Review status: criteria provided, single submitter. Criteria: ACMG Guidelines, 2015. Collection method: clinical testing. Allele origin: germline.

NM_022356.4(P3H1):c.2155G>A (p.Glu719Lys)

Gene: P3H1 (prolyl 3-hydroxylase 1; minus strand). Cytogenetic location: 1p34.2.
Variant type: single nucleotide variant.
Coding change: c.2155G>A on transcript NM_022356.4 (MANE Select); coding-DNA position 2155, G replaced by A.
Protein change: p.Glu719Lys; replaces glutamic acid 719 with lysine.
Molecular consequence: missense variant. On other transcripts: 3 prime UTR variant (2).
Genome position (GRCh38, 1-based): chr1:42,746,753, C>T on the plus strand (G>A on the coding strand, the complement: P3H1 is on the minus strand). VCF-style: chr1-42746753-C-T. GRCh37 (hg19) VCF-style: chr1-43212424-C-T.
Other names: c.*80G>A (NM_001146289.2); c.*159G>A (NM_001243246.2); short protein forms E719K.
Identifiers: ClinVar variation 536810 (VCV000536810.13), dbSNP rs372407655, ClinGen allele CA801505.